The following is an entry in ClinVar:

NM_001358530.2(MOCS1):c.34C>T (p.Arg12Trp)

Gene: MOCS1 (molybdenum cofactor synthesis 1; minus strand). Cytogenetic location: 6p21.2.
Variant type: single nucleotide variant.
Coding change: c.34C>T on transcript NM_001358530.2 (MANE Select); coding-DNA position 34, C replaced by T.
Protein change: p.Arg12Trp; replaces arginine 12 with tryptophan.
Molecular consequence: missense variant. On other transcripts: 5 prime UTR variant (2), non-coding transcript variant (1).
Genome position (GRCh38, 1-based): chr6:39,934,384, G>A on the plus strand (C>T on the coding strand, the complement: MOCS1 is on the minus strand). VCF-style: chr6-39934384-G-A. GRCh37 (hg19) VCF-style: chr6-39902123-G-A.
Other names: c.34C>T, p.Arg12Trp (NM_001075098.4, NM_001358529.2); c.-101C>T (NM_001358531.2, NM_001358533.2); short protein forms R12W.
Identifiers: ClinVar variation 1448070 (VCV001448070.6), dbSNP rs1425959654, ClinGen allele CA364030718.

ClinVar aggregate classification (germline): Uncertain significance (1 of 4 stars; one submission).

Conditions:
Sulfite oxidase deficiency due to molybdenum cofactor deficiency type A. Also called: Molybdenum Cofactor Deficiency A; Molybdenum cofactor deficiency, complementation group A. Identifiers: Orphanet 308386, Orphanet 833, MedGen C1854988, MONDO:0009643, OMIM 252150.

Allele frequency attached by ClinVar (database versions not stated): gnomAD exomes 0.00001.
gnomAD v4.1: 15 of 1,561,790 alleles (0.00096%); highest among the groups gnomAD compares: East Asian, 0.016%; no homozygotes.

Submission:

Labcorp Genetics (formerly Invitae), Labcorp
Classification: Uncertain significance for Sulfite oxidase deficiency due to molybdenum cofactor deficiency type A. Last evaluated: 2024-01-23. Review status: criteria provided, single submitter. Criteria: Invitae Variant Classification Sherloc (09022015). Collection method: clinical testing. Allele origin: germline.
Comment: This sequence change replaces arginine, which is basic and polar, with tryptophan, which is neutral and slightly polar, at codon 12 of the MOCS1 protein (p.Arg12Trp). This variant is not present in population databases (gnomAD no frequency). This variant has not been reported in the literature in individuals affected with MOCS1-related conditions. ClinVar contains an entry for this variant (Variation ID: 1448070). Experimental studies and prediction algorithms are not available or were not evaluated, and the functional significance of this variant is currently unknown. In summary, the available evidence is currently insufficient to determine the role of this variant in disease. Therefore, it has been classified as a Variant of Uncertain Significance.